The following is an entry in ClinVar:

NM_139276.3(STAT3):c.523A>C (p.Asn175His)

Gene: STAT3 (signal transducer and activator of transcription 3; minus strand). Cytogenetic location: 17q21.2.
Variant type: single nucleotide variant.
Coding change: c.523A>C on transcript NM_139276.3 (MANE Select); coding-DNA position 523, A replaced by C.
Protein change: p.Asn175His; replaces asparagine 175 with histidine.
Molecular consequence: missense variant.
Genome position (GRCh38, 1-based): chr17:42,338,758, T>G on the plus strand (A>C on the coding strand, the complement: STAT3 is on the minus strand). VCF-style: chr17-42338758-T-G. GRCh37 (hg19) VCF-style: chr17-40490776-T-G.
Other names: c.523A>C, p.Asn175His (NM_001369512.1, NM_001369513.1, NM_001369514.1 and 15 more transcripts); c.445A>C, p.Asn149His (NM_001384985.1); c.427A>C, p.Asn143His (NM_001384989.1); short protein forms N175H, N143H, N149H.
Identifiers: ClinVar variation 582920 (VCV000582920.10), dbSNP rs758408552, ClinGen allele CA8575623.
Genomic context (GRCh38, chr17:42,338,758, plus strand): 5'-CTAGAGATTTTAACATCTCTAATATTCACTTGCCTCCTTGACTCTTGAGGGTTTTATAGT[T>G]GAAATCAAAGTCATCCTGGAGATTCTCTACCACTTTCATTTTCTGTTCTAGATCCTGTTT-3'
Protein context (NP_644805.1, residues 165-185): VENLQDDFDF[Asn175His]YKTLKSQGDM

ClinVar aggregate classification (germline): Likely benign. Review status: criteria provided, single submitter (1 of 4 stars). 2 submissions from 2 submitters: Likely benign (1). 1 of the submissions does not count toward it. Last evaluated 2023-09-13.

Conditions:
Hyper-IgE recurrent infection syndrome 1, autosomal dominant. Also called: Job's Syndrome; Hyper-IgE recurrent infection syndrome 1; HYPER-IgE SYNDROME 1, AUTOSOMAL DOMINANT, WITH RECURRENT INFECTIONS; JOB SYNDROME; STAT3 Hyper IgE Syndrome. Identifiers: Orphanet 2314, MedGen C2936739, MONDO:0007818, OMIM 147060.
STAT3 gain of function. Identifiers: MedGen C4288261.
STAT3-related disorder. Also called: STAT3-related condition.

Allele frequency attached by ClinVar (database versions not stated): gnomAD exomes below 0.00001; TOPMed below 0.00001; ExAC 0.00001.

Submissions (2):

Labcorp Genetics (formerly Invitae), Labcorp
Classification: Likely benign for STAT3 gain of function; Hyper-IgE recurrent infection syndrome 1, autosomal dominant. Last evaluated: 2023-09-13. Review status: criteria provided, single submitter. Criteria: Invitae Variant Classification Sherloc (09022015). Collection method: clinical testing. Allele origin: germline.

PreventionGenetics, part of Exact Sciences
Classification: Uncertain significance for STAT3-related condition. Last evaluated: 2024-06-13. Review status: no assertion criteria provided. Collection method: clinical testing. Allele origin: germline. Not counted in ClinVar's aggregate classification.
Comment: The STAT3 c.523A>C variant is predicted to result in the amino acid substitution p.Asn175His. This variant was reported in an individual with severe COVID-19 infection who also carriers a likely pathogenic variant in SRD5A3 (López-Rodríguez et al. 2022. PubMed ID: 35725860). This variant is reported in 0.0029% of alleles in individuals of Latino descent in gnomAD. At this time, the clinical significance of this variant is uncertain due to the absence of conclusive functional and genetic evidence.